The following is an entry in ClinVar:

ClinVar aggregate classification (germline): Conflicting classifications of pathogenicity. Review status: criteria provided, conflicting classifications (1 of 4 stars). 3 submissions from 3 submitters: Likely pathogenic (2); Uncertain significance (1). Last evaluated 2024-05-06.

Conditions:
Cardiovascular phenotype. Identifiers: MedGen CN230736.
Long QT syndrome (LQTS). Identifiers: MedGen C0023976, MeSH D008133, MONDO:0002442. Disease mechanism: loss of function. Inheritance: Various modes of inheritance.

Submissions (3):

Labcorp Genetics (formerly Invitae), Labcorp
Classification: Likely pathogenic for Long QT syndrome. Last evaluated: 2024-05-06. Review status: criteria provided, single submitter. Criteria: Invitae Variant Classification Sherloc (09022015). Collection method: clinical testing. Allele origin: germline.
Comment: This sequence change affects a donor splice site in intron 4 of the KCNH2 gene. It is expected to disrupt RNA splicing. Variants that disrupt the donor or acceptor splice site typically lead to a loss of protein function (PMID: 16199547), and loss-of-function variants in KCNH2 are known to be pathogenic (PMID: 10973849, 19862833). This variant is not present in population databases (gnomAD no frequency). Disruption of this splice site has been observed in individual(s) with long QT syndrome (PMID: 23631430). ClinVar contains an entry for this variant (Variation ID: 1710573). Algorithms developed to predict the effect of sequence changes on RNA splicing suggest that this variant may disrupt the consensus splice site. In summary, the currently available evidence indicates that the variant is pathogenic, but additional data are needed to prove that conclusively. Therefore, this variant has been classified as Likely Pathogenic.

Ambry Genetics
Classification: Uncertain significance for Cardiovascular phenotype. Last evaluated: 2023-06-26. Review status: criteria provided, single submitter. Criteria: Ambry Variant Classification Scheme 2023. Collection method: clinical testing. Allele origin: germline.
Comment: The c.916+1G>A intronic variant results from a G to A substitution one nucleotide after coding exon 4 of the KCNH2 gene. This alteration has been reported in a long QT syndrome genetic testing cohort; however, clinical details were limited (Lieve KV et al. Genet Test Mol Biomarkers, 2013 Jul;17:553-61). Alterations that disrupt the canonical splice site are expected to result in aberrant splicing. In silico splice site analysis predicts that this alteration will weaken the native splice donor site. The resulting transcript is predicted to be in-frame and is not expected to trigger nonsense-mediated mRNAdecay; however, direct evidence is unavailable. The exact functional effect of the altered amino acid sequence is unknown. This nucleotide position is highly conserved in available vertebrate species. Since supporting evidence is limited at this time, the clinical significance of this alteration remains unclear.

GeneDx
Classification: Likely pathogenic. Last evaluated: 2022-10-11. Review status: criteria provided, single submitter. Criteria: GeneDx Variant Classification Process June 2021. Collection method: clinical testing. Allele origin: germline. Affected: yes.
Comment: Identified in a patient referred for LQTS genetic testing (Lieve et al. 2013); Not observed at significant frequency in large population cohorts (gnomAD); Canonical splice site variant expected to result in aberrant splicing, although in the absence of functional evidence the actual effect of this sequence change is unknown.; This variant is associated with the following publications: (PMID: 23631430)

Literature cited by the submitters: PubMed 16199547 (cited by Labcorp Genetics (formerly Invitae), Labcorp); PubMed 10973849 (cited by Labcorp Genetics (formerly Invitae), Labcorp); PubMed 19862833 (cited by Labcorp Genetics (formerly Invitae), Labcorp); PubMed 23631430 (cited by Labcorp Genetics (formerly Invitae), Labcorp and Ambry Genetics).

NM_000238.4(KCNH2):c.916+1G>A

Gene: KCNH2 (potassium voltage-gated channel subfamily H member 2; minus strand). Cytogenetic location: 7q36.1.
Variant type: single nucleotide variant.
Coding change: c.916+1G>A on transcript NM_000238.4 (MANE Select); the canonical splice donor site of the intron after coding-DNA position 916, G replaced by A.
Molecular consequence: splice donor variant.
Genome position (GRCh38, 1-based): chr7:150,958,058, C>T on the plus strand (G>A on the coding strand, the complement: KCNH2 is on the minus strand). VCF-style: chr7-150958058-C-T. GRCh37 (hg19) VCF-style: chr7-150655146-C-T.
Other names: c.916+1G>A (NM_000238.3, NM_172056.3); c.628+1G>A (NM_001406753.1, NM_001406756.1); c.739+1G>A (NM_001406755.1); c.616+1G>A (NM_001406757.1).
Identifiers: ClinVar variation 1710573 (VCV001710573.6), dbSNP rs2486087618, ClinGen allele CA369862033.